The following is an entry in ClinVar:

ClinVar aggregate classification (germline): Uncertain significance (1 of 4 stars; one submission).

Conditions:
Hereditary cancer-predisposing syndrome. Also called: Neoplastic Syndromes, Hereditary; Tumor predisposition; Hereditary Cancer Syndrome; Hereditary neoplastic syndrome. Identifiers: Orphanet 140162, MedGen C0027672, MeSH D009386, MONDO:0015356.

Submission:

Color Diagnostics, LLC DBA Color Health
Classification: Uncertain significance for Hereditary cancer-predisposing syndrome. Last evaluated: 2024-03-06. Review status: criteria provided, single submitter. Criteria: ACMG Guidelines, 2015. Collection method: clinical testing. Allele origin: germline.
Comment: This missense variant replaces glycine with alanine at codon 1039 of the APC protein. Computational prediction suggests that this variant may not impact protein structure and function (internally defined REVEL score threshold <= 0.5, PMID: 27666373). Splice site prediction tools suggest that this variant may not impact RNA splicing. To our knowledge, functional studies have not been performed for this variant. This variant has not been reported in individuals affected with hereditary cancer in the literature. This variant has not been identified in the general population by the Genome Aggregation Database (gnomAD). The available evidence is insufficient to determine the role of this variant in disease conclusively. Therefore, this variant is classified as a Variant of Uncertain Significance.

NM_000038.6(APC):c.3116G>C (p.Gly1039Ala)

Gene: APC (APC regulator of Wnt signaling pathway; plus strand). Cytogenetic location: 5q22.2.
Variant type: single nucleotide variant.
Coding change: c.3116G>C on transcript NM_000038.6 (MANE Select); coding-DNA position 3116, G replaced by C.
Protein change: p.Gly1039Ala; replaces glycine 1039 with alanine.
Molecular consequence: missense variant.
Genome position (GRCh38, 1-based): chr5:112,838,710, G>C. VCF-style: chr5-112838710-G-C. GRCh37 (hg19) VCF-style: chr5-112174407-G-C.
Other names: c.3116G>C, p.Gly1039Ala (NM_001127510.3, NM_001354895.2); c.3062G>C, p.Gly1021Ala (NM_001127511.3); c.3170G>C, p.Gly1057Ala (NM_001354896.2); c.3146G>C, p.Gly1049Ala (NM_001354897.2); c.3041G>C, p.Gly1014Ala (NM_001354898.2); c.3032G>C, p.Gly1011Ala (NM_001354899.2); c.2993G>C, p.Gly998Ala (NM_001354900.2); c.2939G>C, p.Gly980Ala (NM_001354901.2); and 5 more; short protein forms G1011A, G1049A, G1057A, G756A, G980A, G1014A, G1039A, G998A.
Identifiers: ClinVar variation 923028 (VCV000923028.4), dbSNP rs1765337280, ClinGen allele CA16028162.
Genomic context (GRCh38, chr5:112,838,710, plus strand): 5'-GAGAACTAGATACACCAATAAATTATAGTCTTAAATATTCAGATGAGCAGTTGAACTCTG[G>C]AAGGCAAAGTCCTTCACAGAATGAAAGATGGGCAAGACCCAAACACATAATAGAAGATGA-3'
Protein context (NP_000029.2, residues 1029-1049): LKYSDEQLNS[Gly1039Ala]RQSPSQNERW